The following is an entry in ClinVar:

ClinVar aggregate classification (germline): Uncertain significance (1 of 4 stars; one submission).

Submission:

Women's Health and Genetics/Laboratory Corporation of America, LabCorp
Classification: Uncertain significance. Last evaluated: 2024-11-01. Review status: criteria provided, single submitter. Criteria: LabCorp Variant Classification Summary - May 2015. Collection method: clinical testing. Allele origin: germline.
Comment: Variant summary: TG c.6112G>C (p.Glu2038Gln) results in a conservative amino acid change in the encoded protein sequence. Three of five in-silico tools predict a benign effect of the variant on protein function. The variant was absent in 251414 control chromosomes. The available data on variant occurrences in the general population are insufficient to allow any conclusion about variant significance. To our knowledge, no occurrence of c.6112G>C in individuals affected with TG-Related Disorders and no experimental evidence demonstrating its impact on protein function have been reported. No submitters have cited clinical-significance assessments for this variant to ClinVar. Based on the evidence outlined above, the variant was classified as uncertain significance.

NM_003235.5(TG):c.6112G>C (p.Glu2038Gln)

Gene: TG (thyroglobulin; plus strand). Cytogenetic location: 8q24.22.
Variant type: single nucleotide variant.
Coding change: c.6112G>C on transcript NM_003235.5 (MANE Select); coding-DNA position 6112, G replaced by C.
Protein change: p.Glu2038Gln; replaces glutamic acid 2038 with glutamine.
Molecular consequence: missense variant.
Genome position (GRCh38, 1-based): chr8:132,972,654, G>C. VCF-style: chr8-132972654-G-C. GRCh37 (hg19) VCF-style: chr8-133984899-G-C.
Other names: short protein forms E2038Q.
Identifiers: ClinVar variation 3629892 (VCV003629892.1).